The following is an entry in ClinVar:

ClinVar aggregate classification (germline): Pathogenic/Likely pathogenic. Review status: criteria provided, multiple submitters, no conflicts (2 of 4 stars). 6 submissions from 6 submitters: Pathogenic (4); Likely pathogenic (2). Last evaluated 2025-05-27.

Conditions:
Familial multiple polyposis syndrome (FAP). Also called: Familial adenomatous polyposis; Familial intestinal polyposis; Classic familial adenomatous polyposis; Familial polyposis; Familial Adenomatous Polyposis (FAP). Identifiers: Orphanet 733, MedGen C0032580, MONDO:0021055. Disease mechanism: loss of function.
Familial adenomatous polyposis 1 (FAP1). Also called: FAMILIAL ADENOMATOUS POLYPOSIS 1, ATTENUATED; POLYPOSIS, ADENOMATOUS INTESTINAL. Identifiers: MedGen C2713442, MONDO:0021056, OMIM 175100. Disease mechanism: loss of function.

Submissions (6):

Women's Health and Genetics/Laboratory Corporation of America, LabCorp
Classification: Pathogenic for Familial multiple polyposis syndrome. Last evaluated: 2025-05-27. Review status: criteria provided, single submitter. Criteria: LabCorp Variant Classification Summary - May 2015. Collection method: clinical testing. Allele origin: germline.
Comment: Variant summary: APC c.298delG (p.Glu100LysfsX25) results in a premature termination codon, predicted to cause a truncation of the encoded protein or absence of the protein due to nonsense mediated decay, which are commonly known mechanisms for disease. The variant was absent in 251458 control chromosomes. c.298delG has been observed in individual(s) affected with Familial Adenomatous Polyposis (Ohtaka_2011). To our knowledge, no experimental evidence demonstrating an impact on protein function has been reported. ClinVar contains an entry for this variant (Variation ID: 419991). Based on the evidence outlined above, the variant was classified as pathogenic.

Labcorp Genetics (formerly Invitae), Labcorp
Classification: Pathogenic for Familial adenomatous polyposis 1. Last evaluated: 2023-10-23. Review status: criteria provided, single submitter. Criteria: Invitae Variant Classification Sherloc (09022015). Collection method: clinical testing. Allele origin: germline.
Comment: This sequence change creates a premature translational stop signal (p.Glu100Lysfs*25) in the APC gene. It is expected to result in an absent or disrupted protein product. Loss-of-function variants in APC are known to be pathogenic (PMID: 17963004, 20685668). This variant is not present in population databases (gnomAD no frequency). This premature translational stop signal has been observed in individual(s) with familial adenomatous polyposis (PMID: 21646762). ClinVar contains an entry for this variant (Variation ID: 419991). For these reasons, this variant has been classified as Pathogenic.

Myriad Genetics, Inc.
Classification: Pathogenic for Familial adenomatous polyposis 1. Last evaluated: 2023-04-25. Review status: criteria provided, single submitter. Criteria: Myriad Autosomal Dominant, Autosomal Recessive and X-Linked Classification Criteria (2023). Collection method: clinical testing. Allele origin: unknown.
Comment: This variant is considered pathogenic. This variant creates a frameshift predicted to result in premature protein truncation.

Baylor Genetics
Classification: Pathogenic for Familial adenomatous polyposis 1. Last evaluated: 2021-08-12. Review status: criteria provided, single submitter. Criteria: ACMG Guidelines, 2015. Collection method: clinical testing. Allele origin: unknown.

Quest Diagnostics Nichols Institute San Juan Capistrano
Classification: Likely pathogenic. Last evaluated: 2017-05-05. Review status: criteria provided, single submitter. Criteria: Quest Diagnostics criteria. Collection method: clinical testing. Allele origin: germline.

GeneDx
Classification: Likely pathogenic. Last evaluated: 2016-10-03. Review status: criteria provided, single submitter. Criteria: GeneDx Variant Classification (06012015). Collection method: clinical testing. Allele origin: germline. Affected: yes.
Comment: This deletion of one nucleotide in APC is denoted c.298delG at the cDNA level and p.Glu100LysfsX25 (E100KfsX25) at the protein level. The normal sequence, with the base that is deleted in brackets, is CCGG[delG]AAGG. The deletion causes a frameshift which changes a Glutamic Acid to a Lysine at codon 100, and creates a premature stop codon at position 25 of the new reading frame. This variant is predicted to cause loss of normal protein function through either protein truncation or nonsense-mediated mRNA decay. APC c.298delG has been identified in a patient with fundic gland polyposis and a family history of colon cancer and polyps (Ohtaka 2011). Based on the currently available information, we consider this deletion to be a likely pathogenic variant.

Literature cited by the submitters: PubMed 21646762 (cited by 3 submitters); PubMed 17963004 (cited by Labcorp Genetics (formerly Invitae), Labcorp); PubMed 20685668 (cited by Labcorp Genetics (formerly Invitae), Labcorp).

NM_000038.6(APC):c.298del (p.Glu100fs)

Gene: APC (APC regulator of Wnt signaling pathway; plus strand). Cytogenetic location: 5q22.2.
Variant type: Deletion.
Coding change: c.298del on transcript NM_000038.6 (MANE Select); coding-DNA position 298, one base deleted (G; older notation c.298delG).
Protein change: p.Glu100fs; shifts the reading frame from glutamic acid 100.
Molecular consequence: frameshift variant. On other transcripts: 5 prime UTR variant (1).
Genome position (GRCh38, 1-based): chr5:112,767,266, G deleted; the last of 3 consecutive G bases (chr5:112,767,264-112,767,266); deleting any one gives the same sequence. VCF-style (leftmost placement, unchanged base first): chr5-112767263-CG-C. GRCh37 (hg19) VCF-style: chr5-112102960-CG-C.
Other names: c.298del, p.Glu100fs (NM_001127510.3, NM_001354895.2, NM_001354896.2 and 2 more transcripts); c.328del, p.Glu110fs (NM_001127511.3, NM_001354897.2, NM_001354902.2); c.223del, p.Glu75fs (NM_001354898.2, NM_001354904.2); c.121del, p.Glu41fs (NM_001354900.2, NM_001354901.2, NM_001354905.2); c.-738del (NM_001354906.2); c.298delG (NM_000038.6); short protein forms E100fs, E75fs, E110fs, E41fs.
Identifiers: ClinVar variation 419991 (VCV000419991.17), dbSNP rs1064794224, ClinGen allele CA16618067.